The following is an entry in ClinVar:

NM_001351132.2(PEX5):c.-17+196C>G

Gene: PEX5 (peroxisomal biogenesis factor 5; plus strand). Cytogenetic location: 12p13.31.
Variant type: single nucleotide variant.
Coding change: c.-17+196C>G on transcript NM_001351132.2 (MANE Select); 196 bases into the intron after 17 bases upstream of the start codon, C replaced by G.
Molecular consequence: intron variant. On other transcripts: 5 prime UTR variant (8).
Genome position (GRCh38, 1-based): chr12:7,189,946, C>G. VCF-style: chr12-7189946-C-G. GRCh37 (hg19) VCF-style: chr12-7342542-C-G.
Other names: c.-287C>G (NM_001131025.2, NM_001351130.3); c.-211-76C>G (NM_001351140.2, NM_001131026.2, NM_001351133.2 and 1 more transcripts); c.-90+196C>G (NM_001351134.2, NM_001351128.2); c.-17+196C>G (NM_001131023.2, NM_001351138.2, NM_001351136.2 and 4 more transcripts); c.-15+196C>G (NM_001374645.1); c.-51C>G (NM_001300789.3, NM_001351135.3, NM_001351137.3); c.-432C>G (NM_001374647.2, NM_001374648.2, NM_001374649.2); c.-16-416C>G (NM_001351124.3); and 2 more.
Identifiers: ClinVar variation 4915527 (VCV004915527.2).

ClinVar aggregate classification (germline): Conflicting classifications of pathogenicity. Review status: criteria provided, conflicting classifications (1 of 4 stars). 2 submissions from 2 submitters: Uncertain significance (1); Likely benign (1). Last evaluated 2026-07-07.

Conditions:
PEX5-related disorder. Also called: PEX5-Related Disorders; PEX5-related condition.

gnomAD v4.1: 67 of 1,489,168 alleles (0.0045%); highest among the groups gnomAD compares: Admixed American, 0.02%; no homozygotes.

Submissions (2):

PreventionGenetics, part of Exact Sciences
Classification: Uncertain significance for PEX5-related condition. Last evaluated: 2026-07-07. Review status: criteria provided, single submitter. Criteria: ACMG Guidelines, 2015. Collection method: clinical testing. Allele origin: germline.
Comment: The PEX5 c.13C>G variant is predicted to result in the amino acid substitution p.Arg5Gly. To our knowledge, this variant has not been reported in the literature. This variant is reported in 0.037% of alleles in individuals of Latino descent in gnomAD. At this time, the clinical significance of this variant is uncertain due to the absence of conclusive functional and genetic evidence.

Blueprint Genetics
Classification: Likely benign. Last evaluated: 2023-05-10. Review status: criteria provided, single submitter. Criteria: ACMG Guidelines, 2015. Collection method: clinical testing. Allele origin: germline.